The following is an entry in ClinVar:

NM_001844.5(COL2A1):c.2163C>T (p.Leu721=)

Gene: COL2A1 (collagen type II alpha 1 chain; minus strand). Cytogenetic location: 12q13.11.
Variant type: single nucleotide variant.
Coding change: c.2163C>T on transcript NM_001844.5 (MANE Select); coding-DNA position 2163, C replaced by T.
Protein change: p.Leu721=; no amino-acid change (leucine 721 retained).
Molecular consequence: synonymous variant.
Genome position (GRCh38, 1-based): chr12:47,982,878, G>A on the plus strand (C>T on the coding strand, the complement: COL2A1 is on the minus strand). VCF-style: chr12-47982878-G-A. GRCh37 (hg19) VCF-style: chr12-48376661-G-A.
Other names: c.1956C>T, p.Leu652= (NM_033150.3).
Identifiers: ClinVar variation 508645 (VCV000508645.21), dbSNP rs141375467, ClinGen allele CA6535210.

ClinVar aggregate classification (germline): Benign/Likely benign. Review status: criteria provided, multiple submitters, no conflicts (2 of 4 stars). 6 submissions from 5 submitters: Benign (1); Likely benign (4). 1 of the submissions does not count toward it. Last evaluated 2026-01-16.

Conditions:
Stickler syndrome type 1 (STL1). Also called: STICKLER SYNDROME, MEMBRANOUS VITREOUS TYPE; STICKLER SYNDROME, VITREOUS TYPE 1; ARTHROOPHTHALMOPATHY, HEREDITARY PROGRESSIVE; COL2A1-Related Stickler Syndrome. Identifiers: Orphanet 828, Orphanet 90653, MedGen C2020284, MONDO:0007160, OMIM 108300.
Type 2 collagenopathy. Identifiers: Orphanet 93421, MedGen C2931073, MONDO:0022800.
COL2A1-related disorder. Also called: COL2A1-related condition; COL2A1-related disorders.

Allele frequency attached by ClinVar (database versions not stated): gnomAD 0.00005 and 0.00009; TOPMed 0.00007; gnomAD exomes 0.00028 and 0.00032; ESP Exome Variant Server 0.00031; ExAC 0.00036.
gnomAD v4.1: 418 of 1,612,622 alleles (0.026%); highest among the groups gnomAD compares: South Asian, 0.2%; 1 homozygote.

Submissions (6):

Labcorp Genetics (formerly Invitae), Labcorp
Classification: Likely benign. Last evaluated: 2026-01-16. Review status: criteria provided, single submitter. Criteria: Invitae Variant Classification Sherloc (09022015). Collection method: clinical testing. Allele origin: germline.

Blueprint Genetics
Classification: Likely benign. Last evaluated: 2024-04-23. Review status: criteria provided, single submitter. Criteria: ACMG Guidelines, 2015. Collection method: clinical testing. Allele origin: germline.

GeneDx
Classification: Likely benign. Last evaluated: 2020-07-29. Review status: criteria provided, single submitter. Criteria: GeneDx Variant Classification Process June 2021. Collection method: clinical testing. Allele origin: germline. Affected: yes.

Illumina Laboratory Services, Illumina
Classification: Likely benign for Stickler syndrome type 1. Last evaluated: 2018-01-12. Review status: criteria provided, single submitter. Criteria: ICSL Variant Classification Criteria 13 December 2019. Collection method: clinical testing. Allele origin: germline.
Comment: This variant was observed in the ICSL laboratory as part of a predisposition screen in an ostensibly healthy population. It had not been previously curated by ICSL or reported in the Human Gene Mutation Database (HGMD: prior to June 1st, 2018), and was therefore a candidate for classification through an automated scoring system. Utilizing variant allele frequency, disease prevalence and penetrance estimates, and inheritance mode, an automated score was calculated to assess if this variant is too frequent to cause the disease. Based on the score and internal cut-off values, a variant classified as likely benign is not then subjected to further curation. The score for this variant resulted in a classification of likely benign for this disease.

Illumina Laboratory Services, Illumina
Classification: Benign for Type II Collagenopathies. Last evaluated: 2018-01-12. Review status: criteria provided, single submitter. Criteria: ICSL Variant Classification Criteria 13 December 2019. Collection method: clinical testing. Allele origin: germline.
Comment: This variant was observed in the ICSL laboratory as part of a predisposition screen in an ostensibly healthy population. It had not been previously curated by ICSL or reported in the Human Gene Mutation Database (HGMD: prior to June 1st, 2018), and was therefore a candidate for classification through an automated scoring system. Utilizing variant allele frequency, disease prevalence and penetrance estimates, and inheritance mode, an automated score was calculated to assess if this variant is too frequent to cause the disease. Based on the score and internal cut-off values, a variant classified as benign is not then subjected to further curation. The score for this variant resulted in a classification of benign for this disease.

PreventionGenetics, part of Exact Sciences
Classification: Likely benign for COL2A1-related condition. Last evaluated: 2019-07-03. Review status: no assertion criteria provided. Collection method: clinical testing. Allele origin: germline. Not counted in ClinVar's aggregate classification.
Comment: This variant is classified as likely benign based on ACMG/AMP sequence variant interpretation guidelines (Richards et al. 2015 PMID: 25741868, with internal and published modifications).